The following is an entry in ClinVar:

ClinVar aggregate classification (germline): Uncertain significance (0 of 4 stars; one submission).

Conditions:
ARHGEF10-related disorder. Also called: ARHGEF10-related condition.

gnomAD v4.1: 2 of 1,614,180 alleles (0.00012%); highest among the groups gnomAD compares: Non-Finnish European, 0.00017%; no homozygotes.

Submission:

PreventionGenetics, part of Exact Sciences
Classification: Uncertain significance for ARHGEF10-related condition. Last evaluated: 2024-06-05. Review status: no assertion criteria provided. Collection method: clinical testing. Allele origin: germline.
Comment: The ARHGEF10 c.3222G>A variant is not predicted to result in an amino acid change (p.=). However, this variant is predicted to weaken the donor splice site and possibly result in aberrant splicing (SpliceAI, Jaganathan K, et al. 2019. PubMed ID: 30661751). To our knowledge, this variant has not been reported in the literature or in a large population database, indicating this variant is rare. At this time, the clinical significance of this variant is uncertain due to the absence of conclusive functional and genetic evidence.

NM_014629.4(ARHGEF10):c.3222G>A (p.Glu1074=)

Gene: ARHGEF10 (Rho guanine nucleotide exchange factor 10; plus strand). Cytogenetic location: 8p23.3.
Variant type: single nucleotide variant.
Coding change: c.3222G>A on transcript NM_014629.4 (MANE Select); coding-DNA position 3222, G replaced by A.
Protein change: p.Glu1074=; no amino-acid change (glutamic acid 1074 retained).
Molecular consequence: synonymous variant.
Genome position (GRCh38, 1-based): chr8:1,933,942, G>A. VCF-style: chr8-1933942-G-A. GRCh37 (hg19) VCF-style: chr8-1882108-G-A.
Other names: c.3108G>A, p.Glu1036= (NM_001308152.2); c.3222G>A, p.Glu1074= (NM_001308153.3).
Identifiers: ClinVar variation 3344706 (VCV003344706.1).